The following is an entry in ClinVar:

ClinVar aggregate classification (germline): Likely pathogenic (1 of 4 stars; one submission).

Submission:

GeneDx
Classification: Likely pathogenic. Last evaluated: 2025-07-11. Review status: criteria provided, single submitter. Criteria: GeneDx Variant Classification Process June 2021. Collection method: clinical testing. Allele origin: germline. Affected: yes.
Comment: Not observed at significant frequency in large population cohorts (gnomAD); In silico analysis supports that this missense variant has a deleterious effect on protein structure/function; Has not been previously published as pathogenic or benign to our knowledge; This substitution is predicted to be within C-terminal cytoplasmic domain; This variant is associated with the following publications: (PMID: 27267376)

NM_001330260.2(SCN8A):c.5304C>A (p.Asn1768Lys)

Gene: SCN8A (sodium voltage-gated channel alpha subunit 8; plus strand). Cytogenetic location: 12q13.13.
Variant type: single nucleotide variant.
Coding change: c.5304C>A on transcript NM_001330260.2 (MANE Select); coding-DNA position 5304, C replaced by A.
Protein change: p.Asn1768Lys; replaces asparagine 1768 with lysine.
Molecular consequence: missense variant.
Genome position (GRCh38, 1-based): chr12:51,806,790, C>A. VCF-style: chr12-51806790-C-A. GRCh37 (hg19) VCF-style: chr12-52200574-C-A.
Other names: c.5181C>A, p.Asn1727Lys (NM_001177984.3, NM_001369788.1); c.5304C>A, p.Asn1768Lys (NM_014191.4); short protein forms N1727K, N1768K.
Identifiers: ClinVar variation 4685081 (VCV004685081.1).